The following is an entry in ClinVar:

NM_019885.4(CYP26B1):c.115G>A (p.Ala39Thr)

Gene: CYP26B1 (cytochrome P450 family 26 subfamily B member 1; minus strand). Cytogenetic location: 2p13.2.
Variant type: single nucleotide variant.
Coding change: c.115G>A on transcript NM_019885.4 (MANE Select); coding-DNA position 115, G replaced by A.
Protein change: p.Ala39Thr; replaces alanine 39 with threonine.
Molecular consequence: missense variant.
Genome position (GRCh38, 1-based): chr2:72,147,720, C>T on the plus strand (G>A on the coding strand, the complement: CYP26B1 is on the minus strand). VCF-style: chr2-72147720-C-T. GRCh37 (hg19) VCF-style: chr2-72374849-C-T.
Other names: c.115G>A, p.Ala39Thr (NM_001277742.2); short protein forms A39T.
Identifiers: ClinVar variation 1207606 (VCV001207606.9), dbSNP rs149453254, ClinGen allele CA1708177.

ClinVar aggregate classification (germline): Benign/Likely benign. Review status: criteria provided, multiple submitters, no conflicts (2 of 4 stars). 4 submissions from 4 submitters: Benign (1); Likely benign (2). 1 of the submissions does not count toward it. Last evaluated 2025-02-17.

Conditions:
CYP26B1-related disorder. Also called: CYP26B1-related condition.

Allele frequency attached by ClinVar (database versions not stated): 1000 Genomes Project 0.00080; gnomAD 0.00178 and 0.00168; TOPMed 0.00197; gnomAD exomes 0.00016 and 0.00038; ExAC 0.00076; 1000 Genomes Project 30x 0.00109; ESP Exome Variant Server 0.00132.
gnomAD v4.1: 501 of 1,597,416 alleles (0.031%); highest among the groups gnomAD compares: African/African-American, 0.59%; 2 homozygotes.

Submissions (4):

Labcorp Genetics (formerly Invitae), Labcorp
Classification: Benign. Last evaluated: 2025-02-17. Review status: criteria provided, single submitter. Criteria: Invitae Variant Classification Sherloc (09022015). Collection method: clinical testing. Allele origin: germline.

GeneDx
Classification: Likely benign. Last evaluated: 2021-02-17. Review status: criteria provided, single submitter. Criteria: GeneDx Variant Classification Process June 2021. Collection method: clinical testing. Allele origin: germline. Affected: yes.
Comment: In silico analysis supports that this missense variant does not alter protein structure/function; Has not been previously published as pathogenic or benign to our knowledge

Breakthrough Genomics
Classification: Likely benign. Review status: criteria provided, single submitter. Criteria: ACMG Guidelines, 2015. Collection method: not provided. Allele origin: germline. Inheritance: Unknown mechanism. Affected: yes.

PreventionGenetics, part of Exact Sciences
Classification: Likely benign for CYP26B1-related condition. Last evaluated: 2020-07-08. Review status: no assertion criteria provided. Collection method: clinical testing. Allele origin: germline. Not counted in ClinVar's aggregate classification.
Comment: This variant is classified as likely benign based on ACMG/AMP sequence variant interpretation guidelines (Richards et al. 2015 PMID: 25741868, with internal and published modifications).